The following is an entry in ClinVar:

NM_000020.3(ACVRL1):c.207C>A (p.Cys69Ter)

Gene: ACVRL1 (activin A receptor like type 1; plus strand). Cytogenetic location: 12q13.13.
Variant type: single nucleotide variant.
Coding change: c.207C>A on transcript NM_000020.3 (MANE Select); coding-DNA position 207, C replaced by A.
Protein change: p.Cys69Ter; replaces cysteine 69 with a stop codon.
Molecular consequence: nonsense.
Genome position (GRCh38, 1-based): chr12:51,913,244, C>A. VCF-style: chr12-51913244-C-A. GRCh37 (hg19) VCF-style: chr12-52307028-C-A.
Other names: p.Cys69*; c.207C>A, p.Cys69Ter (NM_001077401.2); short protein forms C69*.
Identifiers: ClinVar variation 938281 (VCV000938281.11), dbSNP rs56080682, ClinGen allele CA384897901.

ClinVar aggregate classification (germline): Pathogenic. Review status: criteria provided, multiple submitters, no conflicts (2 of 4 stars). 4 submissions from 4 submitters: Pathogenic (4). Last evaluated 2025-04-16.

Conditions:
Cardiovascular phenotype. Identifiers: MedGen CN230736.
ACVRL1-related disorder. Also called: ACVRL1-related disorders; ACVRL1-related condition.
Telangiectasia, hereditary hemorrhagic, type 2 (HHT2). Also called: ACVRL1-Related Hereditary Hemorrhagic Telangiectasia; Telangiectasia, hereditary hemorrhagic, type II. Identifiers: Orphanet 774, MedGen C1838163, MONDO:0010880, OMIM 600376. Disease mechanism: loss of function.

Submissions (4):

Mayo Clinic Laboratories, Mayo Clinic
Classification: Pathogenic. Last evaluated: 2025-04-16. Review status: criteria provided, single submitter. Criteria: ACMG Guidelines, 2015. Collection method: clinical testing. Allele origin: germline. Observed: 1 variant allele.
Comment: PP1, PM2_supporting, PS4_supporting, PVS1

Labcorp Genetics (formerly Invitae), Labcorp
Classification: Pathogenic for Telangiectasia, hereditary hemorrhagic, type 2. Last evaluated: 2024-05-28. Review status: criteria provided, single submitter. Criteria: Invitae Variant Classification Sherloc (09022015). Collection method: clinical testing. Allele origin: germline.
Comment: This sequence change creates a premature translational stop signal (p.Cys69*) in the ACVRL1 gene. It is expected to result in an absent or disrupted protein product. Loss-of-function variants in ACVRL1 are known to be pathogenic (PMID: 15879500). This variant is not present in population databases (gnomAD no frequency). This variant has not been reported in the literature in individuals affected with ACVRL1-related conditions. ClinVar contains an entry for this variant (Variation ID: 938281). For these reasons, this variant has been classified as Pathogenic.

Blueprint Genetics
Classification: Pathogenic for ACVRL1-related disorders. Last evaluated: 2021-01-12. Review status: criteria provided, single submitter. Criteria: ACMG Guidelines, 2015. Collection method: clinical testing. Allele origin: germline. Affected: yes. Observed: 1 variant allele.

Ambry Genetics
Classification: Pathogenic for Cardiovascular phenotype. Last evaluated: 2017-01-23. Review status: criteria provided, single submitter. Criteria: Ambry Variant Classification Scheme 2023. Collection method: clinical testing. Allele origin: germline.
Comment: The p.C69* pathogenic mutation (also known as c.207C>A), located in coding exon 2 of the ACVRL1 gene, results from a C to A substitution at nucleotide position 207. This changes the amino acid from a cysteine to a stop codon within coding exon 2. This mutation was identified in an individual with epistaxis, telangiectasias, arteriovenous malformations, and a family history of hereditary hemorrhagic telangiectasia (Richards-Yutz J et al. Hum. Genet., 2010 Jul;128:61-77). In addition to the clinical data presented in the literature, this alteration is expected to result in loss of function by premature protein truncation or nonsense-mediated mRNA decay. As such, this alteration is interpreted as a disease-causing mutation.

Literature cited by the submitters: PubMed 34501220 (cited by Mayo Clinic Laboratories, Mayo Clinic); PubMed 15879500 (cited by Labcorp Genetics (formerly Invitae), Labcorp); PubMed 20414677 (cited by Ambry Genetics).